The following is an entry in ClinVar:

NM_014049.5(ACAD9):c.506_507del (p.Leu169fs)

Gene: ACAD9 (acyl-CoA dehydrogenase family member 9; plus strand). Cytogenetic location: 3q21.3.
Variant type: Deletion.
Coding change: c.506_507del on transcript NM_014049.5 (MANE Select); coding-DNA positions 506 to 507, 2 bases deleted (TG; older notation c.506_507delTG).
Protein change: p.Leu169fs; shifts the reading frame from leucine 169.
Molecular consequence: frameshift variant. On other transcripts: non-coding transcript variant (1).
Genome position (GRCh38, 1-based): chr3:128,896,488-128,896,489, TG deleted. VCF-style (leftmost placement, unchanged base first): chr3-128896487-CTG-C. GRCh37 (hg19) VCF-style: chr3-128615330-CTG-C.
Other names: short protein forms L169fs.
Identifiers: ClinVar variation 1433050 (VCV001433050.6), dbSNP rs1483187894, ClinGen allele CA546180267.

ClinVar aggregate classification (germline): Pathogenic (1 of 4 stars; one submission).

Allele frequency attached by ClinVar (database versions not stated): gnomAD exomes below 0.00001.

Submission:

Labcorp Genetics (formerly Invitae), Labcorp
Classification: Pathogenic. Last evaluated: 2021-08-05. Review status: criteria provided, single submitter. Criteria: Invitae Variant Classification Sherloc (09022015). Collection method: clinical testing. Allele origin: germline.
Comment: For these reasons, this variant has been classified as Pathogenic. This variant has not been reported in the literature in individuals affected with ACAD9-related conditions. This variant is not present in population databases (ExAC no frequency). This sequence change creates a premature translational stop signal (p.Leu169Argfs*31) in the ACAD9 gene. It is expected to result in an absent or disrupted protein product. Loss-of-function variants in ACAD9 are known to be pathogenic (PMID: 25721401).

Literature cited by the submitters: PubMed 25721401.